The following is an entry in ClinVar:

NM_001378778.1(MPDZ):c.935G>C (p.Gly312Ala)

Gene: MPDZ (multiple PDZ domain crumbs cell polarity complex component; minus strand). Cytogenetic location: 9p23.
Variant type: single nucleotide variant.
Coding change: c.935G>C on transcript NM_001378778.1 (MANE Select); coding-DNA position 935, G replaced by C.
Protein change: p.Gly312Ala; replaces glycine 312 with alanine.
Molecular consequence: missense variant.
Genome position (GRCh38, 1-based): chr9:13,219,710, C>G on the plus strand (G>C on the coding strand, the complement: MPDZ is on the minus strand). VCF-style: chr9-13219710-C-G. GRCh37 (hg19) VCF-style: chr9-13219709-C-G.
Other names: c.935G>C, p.Gly312Ala (NM_001261406.2, NM_001261407.2, NM_001330637.2 and 14 more transcripts); short protein forms G312A.
Identifiers: ClinVar variation 1958437 (VCV001958437.2), dbSNP rs370520671, ClinGen allele CA4987954.

ClinVar aggregate classification (germline): Uncertain significance (1 of 4 stars; one submission).

Allele frequency attached by ClinVar (database versions not stated): gnomAD 0.00001.
gnomAD v4.1: 16 of 1,612,654 alleles (0.00099%); highest among the groups gnomAD compares: Non-Finnish European, 0.0012%; no homozygotes.

Submission:

Labcorp Genetics (formerly Invitae), Labcorp
Classification: Uncertain significance. Last evaluated: 2022-08-03. Review status: criteria provided, single submitter. Criteria: Invitae Variant Classification Sherloc (09022015). Collection method: clinical testing. Allele origin: germline.
Comment: This sequence change replaces glycine, which is neutral and non-polar, with alanine, which is neutral and non-polar, at codon 312 of the MPDZ protein (p.Gly312Ala). This variant is present in population databases (rs370520671, gnomAD 0.003%). This variant has not been reported in the literature in individuals affected with MPDZ-related conditions. Algorithms developed to predict the effect of missense changes on protein structure and function (SIFT, PolyPhen-2, Align-GVGD) all suggest that this variant is likely to be disruptive. In summary, the available evidence is currently insufficient to determine the role of this variant in disease. Therefore, it has been classified as a Variant of Uncertain Significance.